The following is an entry in ClinVar:

NM_000275.3(OCA2):c.1250T>C (p.Leu417Pro)

Gene: OCA2 (OCA2 melanosomal transmembrane protein; minus strand). Cytogenetic location: 15q13.1.
Variant type: single nucleotide variant.
Coding change: c.1250T>C on transcript NM_000275.3 (MANE Select); coding-DNA position 1250, T replaced by C.
Protein change: p.Leu417Pro; replaces leucine 417 with proline.
Molecular consequence: missense variant.
Genome position (GRCh38, 1-based): chr15:27,985,178, A>G on the plus strand (T>C on the coding strand, the complement: OCA2 is on the minus strand). VCF-style: chr15-27985178-A-G. GRCh37 (hg19) VCF-style: chr15-28230324-A-G.
Other names: c.1178T>C, p.Leu393Pro (NM_001300984.2); short protein forms L393P, L417P.
Identifiers: ClinVar variation 4077119 (VCV004077119.1).

ClinVar aggregate classification (germline): Likely pathogenic (1 of 4 stars; one submission).

Conditions:
SKIN/HAIR/EYE PIGMENTATION 1, BLUE/NONBLUE EYES (SHEP1). Also called: BROWN EYE COLOR 2; EYE COLOR 3; EYE COLOR, BLUE/NONBLUE; EYE COLOR, BROWN/BLUE; HAIR COLOR 3; SKIN/HAIR/EYE PIGMENTATION 1, BLOND/BROWN HAIR. Identifiers: MedGen C1856895, OMIM 227220.
Tyrosinase-positive oculocutaneous albinism (OCA2). Also called: ALBINISM II; Oculocutaneous albinism type 2; Albinism, oculocutaneous, type II. Identifiers: Orphanet 79432, MedGen C0268495, MONDO:0008746, OMIM 203200.

gnomAD v4.1: 2 of 1,613,764 alleles (0.00012%); highest among the groups gnomAD compares: East Asian, 0.0022%; no homozygotes.

Submission:

Laboratory of Genetic Epidemiology, Research Centre for Medical Genetics
Classification: Likely pathogenic for SKIN/HAIR/EYE PIGMENTATION 1, BLUE/NONBLUE EYES; Tyrosinase-positive oculocutaneous albinism. Last evaluated: 2025-01-01. Review status: criteria provided, single submitter. Criteria: ACMG Guidelines, 2015. Collection method: clinical testing. Allele origin: maternal. Inheritance: Autosomal recessive inheritance. Affected: yes. Observed: 1 heterozygote.
Comment: This variant has not been previously reported in the literature and is not listed in gnomAD v3.1.2. The affected amino acid position is evolutionarily conserved, and multiple in silico prediction tools support a deleterious effect. The affected amino acid p.(Leu417Pro) localized in the cytoplasmic domain (402-423) and may disrupt intracellular sorting or protein-protein interactions of OCA2, leading to loss of function. Taken together, the variant meets the following ACMG/AMP criteria and can be classified as likely pathogenic with PM2, PP3, PM1, PM3 criteria.

Literature cited by the submitters: PubMed 41428507.